The following is an entry in ClinVar:

NM_001042517.2(DIAPH3):c.1465_1466del (p.Leu489fs)

Gene: DIAPH3 (diaphanous related formin 3; minus strand). Cytogenetic location: 13q21.2.
Variant type: Deletion.
Coding change: c.1465_1466del on transcript NM_001042517.2 (MANE Select); coding-DNA positions 1465 to 1466, 2 bases deleted (TT; older notation c.1465_1466delTT).
Protein change: p.Leu489fs; shifts the reading frame from leucine 489.
Molecular consequence: frameshift variant.
Genome position (GRCh38, 1-based): chr13:59,983,783-59,983,784, AA deleted on the plus strand (TT on the coding strand, the reverse complement: DIAPH3 is on the minus strand); deleting any 2 consecutive bases within chr13:59,983,783-59,983,785 gives the same sequence; the c. name uses the placement nearest the transcript's 3' end. VCF-style (leftmost placement, unchanged base first): chr13-59983782-TAA-T. GRCh37 (hg19) VCF-style: chr13-60557916-TAA-T.
Other names: c.1432_1433del, p.Leu478fs (NM_001258366.2); c.1327_1328del, p.Leu443fs (NM_001258367.2); c.1255_1256del, p.Leu419fs (NM_001258368.2); c.1465_1466del, p.Leu489fs (NM_001258369.2); c.676_677del, p.Leu226fs (NM_001258370.2, NM_030932.4); short protein forms L226fs, L478fs, L489fs, L443fs, L419fs.
Identifiers: ClinVar variation 3686879 (VCV003686879.2).

ClinVar aggregate classification (germline): Uncertain significance (1 of 4 stars; one submission).

Submission:

Labcorp Genetics (formerly Invitae), Labcorp
Classification: Uncertain significance. Last evaluated: 2024-05-12. Review status: criteria provided, single submitter. Criteria: Invitae Variant Classification Sherloc (09022015). Collection method: clinical testing. Allele origin: germline.
Comment: This sequence change creates a premature translational stop signal (p.Leu489Asnfs*17) in the DIAPH3 gene. It is expected to result in an absent or disrupted protein product. However, the current clinical and genetic evidence is not sufficient to establish whether loss-of-function variants in DIAPH3 cause disease. This variant is not present in population databases (gnomAD no frequency). This variant has not been reported in the literature in individuals affected with DIAPH3-related conditions. In summary, the available evidence is currently insufficient to determine the role of this variant in disease. Therefore, it has been classified as a Variant of Uncertain Significance.